The following is an entry in ClinVar:

ClinVar aggregate classification (germline): Uncertain significance. Review status: criteria provided, multiple submitters, no conflicts (2 of 4 stars). 3 submissions from 3 submitters: Uncertain significance (2). 1 of the submissions does not count toward it. Last evaluated 2025-07-13.

Conditions:
Alpha thalassemia-X-linked intellectual disability syndrome (ATRX). Also called: ALPHA-THALASSEMIA/MENTAL RETARDATION SYNDROME, X-LINKED; ATR, NONDELETION TYPE; ATR-X syndrome; Alpha thalassemia mental retardation syndrome, nondeletion type, X-linked; XLMR hypotonic face syndrome; X-linked alpha-thalassemia-mental retardation syndrome. Identifiers: Orphanet 847, MedGen C1845055, MONDO:0010519, OMIM 301040.
Inborn genetic diseases. Identifiers: MedGen C0950123, MeSH D030342.

Submissions (3):

Ambry Genetics
Classification: Uncertain significance for Inborn genetic diseases. Last evaluated: 2025-07-13. Review status: criteria provided, single submitter. Criteria: Ambry Variant Classification Scheme 2023. Collection method: clinical testing. Allele origin: germline.

Labcorp Genetics (formerly Invitae), Labcorp
Classification: Uncertain significance for Alpha thalassemia-X-linked intellectual disability syndrome. Last evaluated: 2024-12-30. Review status: criteria provided, single submitter. Criteria: Invitae Variant Classification Sherloc (09022015). Collection method: clinical testing. Allele origin: germline.
Comment: This sequence change replaces lysine, which is basic and polar, with methionine, which is neutral and non-polar, at codon 1057 of the ATRX protein (p.Lys1057Met). This variant is not present in population databases (gnomAD no frequency). This variant has not been reported in the literature in individuals affected with ATRX-related conditions. ClinVar contains an entry for this variant (Variation ID: 1004333). Invitae Evidence Modeling of protein sequence and biophysical properties (such as structural, functional, and spatial information, amino acid conservation, physicochemical variation, residue mobility, and thermodynamic stability) indicates that this missense variant is not expected to disrupt ATRX protein function with a negative predictive value of 95%. In summary, the available evidence is currently insufficient to determine the role of this variant in disease. Therefore, it has been classified as a Variant of Uncertain Significance.

Natera, Inc.
Classification: Uncertain significance for X-linked alpha-thalassemia-mental retardation syndrome. Last evaluated: 2020-02-26. Review status: no assertion criteria provided. Collection method: clinical testing. Allele origin: germline. Not counted in ClinVar's aggregate classification.

NM_000489.6(ATRX):c.3170A>T (p.Lys1057Met)

Gene: ATRX (ATRX chromatin remodeler; minus strand). Cytogenetic location: Xq21.1.
Variant type: single nucleotide variant.
Coding change: c.3170A>T on transcript NM_000489.6 (MANE Select); coding-DNA position 3170, A replaced by T.
Protein change: p.Lys1057Met; replaces lysine 1057 with methionine.
Molecular consequence: missense variant.
Genome position (GRCh38, 1-based): chrX:77,682,086, T>A on the plus strand (A>T on the coding strand, the complement: ATRX is on the minus strand). VCF-style: chrX-77682086-T-A. GRCh37 (hg19) VCF-style: chrX-76937578-T-A.
Other names: c.3170A>T (NM_000489.3); c.3056A>T, p.Lys1019Met (NM_138270.5); short protein forms K1019M, K1057M.
Identifiers: ClinVar variation 1004333 (VCV001004333.15), dbSNP rs2071238285, ClinGen allele CA413707520.